The following is an entry in ClinVar:

ClinVar aggregate classification (germline): Pathogenic/Likely pathogenic. Review status: criteria provided, multiple submitters, no conflicts (2 of 4 stars). 3 submissions from 3 submitters: Pathogenic (1); Likely pathogenic (1). 1 of the submissions does not count toward it. Last evaluated 2025-11-01.

Conditions:
STUB1-related disorder. Also called: STUB1-related condition.
Autosomal recessive spinocerebellar ataxia 16. Identifiers: Orphanet 412057, MedGen C5190574, MONDO:0014339, OMIM 615768.

gnomAD v4.1: 3 of 1,612,330 alleles (0.00019%); highest among the groups gnomAD compares: Non-Finnish European, 0.00025%; no homozygotes.

Submissions (3):

Medical Molecular Genetics, National Research Centre
Classification: Likely pathogenic for Autosomal recessive spinocerebellar ataxia 16. Last evaluated: 2025-11-01. Review status: criteria provided, single submitter. Criteria: ACMG Guidelines, 2015. Collection method: research. Allele origin: inherited. Affected: yes.
Comment: This homozygous nonsense variant in STUB1 (c.586C>T, p.Gln196Ter) generates a premature termination codon, predicting a truncated or absent protein through nonsense-mediated decay. It is absent or extremely rare in population databases. The nature of the variant as a null allele in a gene where loss of function is a known disease mechanism strongly supports pathogenicity.

GeneDx
Classification: Pathogenic. Last evaluated: 2023-08-27. Review status: criteria provided, single submitter. Criteria: GeneDx Variant Classification Process June 2021. Collection method: clinical testing. Allele origin: germline. Affected: yes.
Comment: Nonsense variant predicted to result in protein truncation or nonsense mediated decay in a gene for which loss of function is a known mechanism of disease; Not observed at significant frequency in large population cohorts (gnomAD); This variant is associated with the following publications: (PMID: 34582790)

PreventionGenetics, part of Exact Sciences
Classification: Pathogenic for STUB1-related condition. Last evaluated: 2024-06-28. Review status: no assertion criteria provided. Collection method: clinical testing. Allele origin: germline. Not counted in ClinVar's aggregate classification.
Comment: The STUB1 c.586C>T variant is predicted to result in premature protein termination (p.Gln196*). This variant in the homozygous condition has been reported in an individual with neurodevelopmental disorder, who also carried a homozygous variant in the FAM120A gene (Table S3, Mitani et al 2021. PubMed ID: 34582790). This variant has not been reported in a large population database, indicating this variant is rare. Nonsense variants in STUB1 are expected to be pathogenic. This variant is interpreted as pathogenic.

NM_005861.4(STUB1):c.586C>T (p.Gln196Ter)

Genes: JMJD8 (jumonji domain containing 8; minus strand), STUB1 (STIP1 homology and U-box containing protein 1; plus strand). Cytogenetic location: 16p13.3.
Variant type: single nucleotide variant.
Coding change: c.586C>T on transcript NM_005861.4 (MANE Select); coding-DNA position 586, C replaced by T.
Protein change: p.Gln196Ter; replaces glutamine 196 with a stop codon.
Molecular consequence: nonsense. On other transcripts: 3 prime UTR variant (5), non-coding transcript variant (3).
Genome position (GRCh38, 1-based): chr16:681,854, C>T. VCF-style: chr16-681854-C-T. GRCh37 (hg19) VCF-style: chr16-731854-C-T.
Other names: c.370C>T, p.Gln124Ter (NM_001293197.2); c.*940G>A (NM_001005920.4, NM_001323919.3, NM_001323920.3); c.*974G>A (NM_001323918.3, NM_001323922.3); short protein forms Q124*, Q196*.
Identifiers: ClinVar variation 3342376 (VCV003342376.2).